The following is an entry in ClinVar:

NM_020800.3(IFT80):c.*1089T>C

Genes: IFT80 (intraflagellar transport 80; minus strand), TRIM59-IFT80 (TRIM59-IFT80 readthrough (NMD candidate); minus strand). Cytogenetic location: 3q25.33.
Variant type: single nucleotide variant.
Coding change: c.*1089T>C on transcript NM_020800.3 (MANE Select); 1089 bases downstream of the stop codon, T replaced by C.
Molecular consequence: 3 prime UTR variant. On other transcripts: non-coding transcript variant (2).
Genome position (GRCh38, 1-based): chr3:160,257,436, A>G on the plus strand (T>C on the coding strand, the complement: IFT80 is on the minus strand). VCF-style: chr3-160257436-A-G. GRCh37 (hg19) VCF-style: chr3-159975224-A-G.
Other names: c.*1089T>C (NM_001190241.2, NM_001190242.2).
Identifiers: ClinVar variation 901999 (VCV000901999.4), dbSNP rs181651029, ClinGen allele CA87069660.

ClinVar aggregate classification (germline): Likely benign (1 of 4 stars; one submission).

Conditions:
Asphyxiating thoracic dystrophy 2 (SRTD2). Also called: SHORT-RIB THORACIC DYSPLASIA 2 WITH OR WITHOUT POLYDACTYLY; SHORT-RIB THORACIC DYSPLASIA 2 WITH POLYDACTYLY; SHORT-RIB THORACIC DYSPLASIA 2 WITHOUT POLYDACTYLY. Identifiers: Orphanet 474, MedGen C1970005, MONDO:0012644, OMIM 611263.

Allele frequency attached by ClinVar (database versions not stated): gnomAD 0.00357 and 0.00377; TOPMed 0.00446; 1000 Genomes Project 0.00479; 1000 Genomes Project 30x 0.00515.

Submission:

Illumina Laboratory Services, Illumina
Classification: Likely benign for Asphyxiating thoracic dystrophy 2. Last evaluated: 2018-01-13. Review status: criteria provided, single submitter. Criteria: ICSL Variant Classification Criteria 13 December 2019. Collection method: clinical testing. Allele origin: germline.
Comment: This variant was observed in the ICSL laboratory as part of a predisposition screen in an ostensibly healthy population. It had not been previously curated by ICSL or reported in the Human Gene Mutation Database (HGMD: prior to June 1st, 2018), and was therefore a candidate for classification through an automated scoring system. Utilizing variant allele frequency, disease prevalence and penetrance estimates, and inheritance mode, an automated score was calculated to assess if this variant is too frequent to cause the disease. Based on the score and internal cut-off values, a variant classified as likely benign is not then subjected to further curation. The score for this variant resulted in a classification of likely benign for this disease.